The following is an entry in ClinVar:

NM_003738.5(PTCH2):c.2989G>C (p.Ala997Pro)

Gene: PTCH2 (patched 2; minus strand). Cytogenetic location: 1p34.1.
Variant type: single nucleotide variant.
Coding change: c.2989G>C on transcript NM_003738.5 (MANE Select); coding-DNA position 2989, G replaced by C.
Protein change: p.Ala997Pro; replaces alanine 997 with proline.
Molecular consequence: missense variant.
Genome position (GRCh38, 1-based): chr1:44,826,375, C>G on the plus strand (G>C on the coding strand, the complement: PTCH2 is on the minus strand). VCF-style: chr1-44826375-C-G. GRCh37 (hg19) VCF-style: chr1-45292047-C-G.
Other names: c.2989G>C, p.Ala997Pro (NM_001166292.2); short protein forms A997P.
Identifiers: ClinVar variation 4780972 (VCV004780972.1).

ClinVar aggregate classification (germline): Uncertain significance (1 of 4 stars; one submission).

Conditions:
Gorlin syndrome. Also called: Nevoid Basal Cell Carcinoma Syndrome; Basal cell nevus syndrome. Identifiers: Orphanet 377, MedGen C0004779, MONDO:0007187.

gnomAD v4.1: 3 of 1,614,118 alleles (0.00019%); highest among the groups gnomAD compares: Admixed American, 0.005%; no homozygotes.

Submission:

Labcorp Genetics (formerly Invitae), Labcorp
Classification: Uncertain significance for Gorlin syndrome. Last evaluated: 2025-08-14. Review status: criteria provided, single submitter. Criteria: Invitae Variant Classification Sherloc (09022015). Collection method: clinical testing. Allele origin: germline.
Comment: This sequence change replaces alanine, which is neutral and non-polar, with proline, which is neutral and non-polar, at codon 997 of the PTCH2 protein (p.Ala997Pro). This variant is present in population databases (no rsID available, gnomAD 0.009%). This variant has not been reported in the literature in individuals affected with PTCH2-related conditions. Invitae Evidence Modeling of protein sequence and biophysical properties (such as structural, functional, and spatial information, amino acid conservation, physicochemical variation, residue mobility, and thermodynamic stability) has been performed for this missense variant. However, the output from this modeling did not meet the statistical confidence thresholds required to predict the impact of this variant on PTCH2 protein function. In summary, the available evidence is currently insufficient to determine the role of this variant in disease. Therefore, it has been classified as a Variant of Uncertain Significance.